The following is an entry in ClinVar:

NM_000262.3(NAGA):c.325-72G>A

Genes: NAGA (alpha-N-acetylgalactosaminidase; minus strand), LOC126863160 (CDK7 strongly-dependent group 2 enhancer GRCh37_chr22:42462918-42464117; plus strand). Cytogenetic location: 22q13.2.
Variant type: single nucleotide variant.
Coding change: c.325-72G>A on transcript NM_000262.3 (MANE Select); 72 bases into the intron before coding-DNA position 325, G replaced by A.
Molecular consequence: intron variant.
Genome position (GRCh38, 1-based): chr22:42,067,362, C>T on the plus strand (G>A on the coding strand, the complement: NAGA is on the minus strand). VCF-style: chr22-42067362-C-T. GRCh37 (hg19) VCF-style: chr22-42463366-C-T.
Other names: c.325-72G>A (NM_001362850.1, NM_001362848.1).
Identifiers: ClinVar variation 682645 (VCV000682645.2), dbSNP rs133367, ClinGen allele CA14942109.

ClinVar aggregate classification (germline): Benign. Review status: criteria provided, multiple submitters, no conflicts (2 of 4 stars). 2 submissions from 2 submitters: Benign (2). Last evaluated 2018-06-19.

Allele frequency attached by ClinVar (database versions not stated): 1000 Genomes Project 0.47145; 1000 Genomes Project 30x 0.47408; TOPMed 0.52233; gnomAD 0.52311 and 0.52330; gnomAD exomes 0.58508.
gnomAD v4.1: 911,175 of 1,575,964 alleles (58%); highest among the groups gnomAD compares: Admixed American, 67%; 267,308 homozygotes.

Submissions (2):

GeneDx
Classification: Benign. Last evaluated: 2018-06-19. Review status: criteria provided, single submitter. Criteria: GeneDx Variant Classification (06012015). Collection method: clinical testing. Allele origin: germline. Affected: yes.
Comment: This variant is considered likely benign or benign based on one or more of the following criteria: it is a conservative change, it occurs at a poorly conserved position in the protein, it is predicted to be benign by multiple in silico algorithms, and/or has population frequency not consistent with disease.

Breakthrough Genomics
Classification: Benign. Review status: criteria provided, single submitter. Criteria: ACMG Guidelines, 2015. Collection method: not provided. Allele origin: germline. Inheritance: Autosomal recessive inheritance. Affected: yes.